The following is an entry in ClinVar:

ClinVar aggregate classification (germline): Pathogenic (1 of 4 stars; one submission).

Conditions:
Peroxisome biogenesis disorder 7A (Zellweger). Also called: Peroxisome biogenesis disorder 7A. Identifiers: Orphanet 912, MedGen C3888385, MONDO:0013938, OMIM 614872.
Peroxisome biogenesis disorder 7B (PBD7B). Identifiers: Orphanet 44, MedGen C3553951, MONDO:0013939, OMIM 614873.

Submission:

Labcorp Genetics (formerly Invitae), Labcorp
Classification: Pathogenic for Peroxisome biogenesis disorder 7A (Zellweger); Peroxisome biogenesis disorder 7B. Last evaluated: 2026-01-26. Review status: criteria provided, single submitter. Criteria: Invitae Variant Classification Sherloc (09022015). Collection method: clinical testing. Allele origin: germline.
Comment: This sequence change creates a premature translational stop signal (p.Gln165*) in the PEX26 gene. It is expected to result in an absent or disrupted protein product. Loss-of-function variants in PEX26 are known to be pathogenic (PMID: 12851857, 21031596). This variant is not present in population databases (gnomAD no frequency). This variant has not been reported in the literature in individuals affected with PEX26-related conditions. ClinVar contains an entry for this variant (Variation ID: 958722). Algorithms developed to predict the effect of sequence changes on RNA splicing suggest that this variant may disrupt the consensus splice site. For these reasons, this variant has been classified as Pathogenic.

Literature cited by the submitters: PubMed 12851857; PubMed 21031596.

NM_001127649.3(PEX26):c.493C>T (p.Gln165Ter)

Gene: PEX26 (peroxisomal biogenesis factor 26; plus strand). Cytogenetic location: 22q11.21.
Variant type: single nucleotide variant.
Coding change: c.493C>T on transcript NM_001127649.3 (MANE Select); coding-DNA position 493, C replaced by T.
Protein change: p.Gln165Ter; replaces glutamine 165 with a stop codon.
Molecular consequence: nonsense.
Genome position (GRCh38, 1-based): chr22:18,083,558, C>T. VCF-style: chr22-18083558-C-T. GRCh37 (hg19) VCF-style: chr22-18566324-C-T.
Other names: c.493C>T, p.Gln165Ter (NM_001199319.2, NM_017929.6); short protein forms Q165*.
Identifiers: ClinVar variation 958722 (VCV000958722.7), dbSNP rs781370363, ClinGen allele CA410267674.